The following is an entry in ClinVar:

GRCh38/hg38 1q23.2-24.1(chr1:159479887-166895086)x1

Genes: ADAMTS4 (ADAM metallopeptidase with thrombospondin type 1 motif 4; minus strand), ALDH9A1 (aldehyde dehydrogenase 9 family member A1; minus strand), APCS (amyloid P component, serum; plus strand), APOA2 (apolipoprotein A2; minus strand), ARHGAP30 (Rho GTPase activating protein 30; minus strand) and 368 more. Cytogenetic location: 1q23.2-24.1.
Variant type: copy number loss.
Change: copy number 1 (one copy instead of two) of chr1:159,479,887-166,895,086 (7.42 Mb, GRCh38 coordinates, 1-based), cytogenetic band 1q23.2-24.1.
Identifiers: ClinVar variation 57465 (VCV000057465.1).

ClinVar aggregate classification (germline): Pathogenic (1 of 4 stars; one submission).

Submission:

ISCA site 4
Classification: Pathogenic. Last evaluated: 2011-08-12. Review status: criteria provided, single submitter. Criteria: Kaminsky et al. (Genet Med. 2011). Collection method: clinical testing. Allele origin: unknown. Affected: yes. Observed: 1 variant allele.
Comment: Copy number variation identified through the course of routine clinical cytogenomic testing in postnatal populations. Clinical assertions have been curated as described in Kaminsky et al. 2011.